The following is an entry in ClinVar:

ClinVar aggregate classification (germline): Benign/Likely benign. Review status: criteria provided, multiple submitters, no conflicts (2 of 4 stars). 3 submissions from 3 submitters: Benign (2); Likely benign (1). Last evaluated 2023-01-01.

Allele frequency attached by ClinVar (database versions not stated): 1000 Genomes Project 30x 0.00125; 1000 Genomes Project 0.00140; TOPMed 0.00149; ESP Exome Variant Server 0.00277; ExAC 0.00310; gnomAD 0.00326 and 0.00335; gnomAD exomes 0.00335 and 0.00382.
gnomAD v4.1: 5,969 of 1,611,368 alleles (0.37%); highest among the groups gnomAD compares: Non-Finnish European, 0.4%; 18 homozygotes.

Submissions (3):

CeGaT Center for Human Genetics Tuebingen
Classification: Likely benign. Last evaluated: 2023-01-01. Review status: criteria provided, single submitter. Criteria: CeGaT Center For Human Genetics Tuebingen Variant Classification Criteria Version 2. Collection method: clinical testing. Allele origin: germline. Affected: yes. Observed: 1 variant allele.
Comment: ALDH1L1: BP4, BP7

Labcorp Genetics (formerly Invitae), Labcorp
Classification: Benign. Last evaluated: 2019-12-31. Review status: criteria provided, single submitter. Criteria: Invitae Variant Classification Sherloc (09022015). Collection method: clinical testing. Allele origin: germline.

Breakthrough Genomics
Classification: Benign. Review status: criteria provided, single submitter. Criteria: ACMG Guidelines, 2015. Collection method: not provided. Allele origin: germline. Inheritance: Unknown mechanism. Affected: yes.

NM_012190.4(ALDH1L1):c.729A>G (p.Thr243=)

Gene: ALDH1L1 (aldehyde dehydrogenase 1 family member L1; minus strand). Cytogenetic location: 3q21.3.
Variant type: single nucleotide variant.
Coding change: c.729A>G on transcript NM_012190.4 (MANE Select); coding-DNA position 729, A replaced by G.
Protein change: p.Thr243=; no amino-acid change (threonine 243 retained).
Molecular consequence: synonymous variant. On other transcripts: non-coding transcript variant (1).
Genome position (GRCh38, 1-based): chr3:126,153,573, T>C on the plus strand (A>G on the coding strand, the complement: ALDH1L1 is on the minus strand). VCF-style: chr3-126153573-T-C. GRCh37 (hg19) VCF-style: chr3-125872416-T-C.
Other names: c.759A>G, p.Thr253= (NM_001270364.2); c.426A>G, p.Thr142= (NM_001270365.2).
Identifiers: ClinVar variation 711884 (VCV000711884.29), dbSNP rs114624556, ClinGen allele CA2588676.